The following is an entry in ClinVar:

ClinVar aggregate classification (germline): Uncertain significance. Review status: criteria provided, multiple submitters, no conflicts (2 of 4 stars). 3 submissions from 3 submitters: Uncertain significance (3). Last evaluated 2024-12-04.

Conditions:
Bethlem myopathy 1A. Also called: MYOPATHY, BENIGN CONGENITAL, WITH CONTRACTURES; Bethlem myopathy 1; Bethlem Muscular Dystrophy. Identifiers: Orphanet 610, MedGen CN029274, MONDO:0024530, OMIM 158810.

Submissions (3):

Revvity Omics, Revvity
Classification: Uncertain significance. Last evaluated: 2024-12-04. Review status: criteria provided, single submitter. Criteria: ACMG Guidelines, 2015. Collection method: clinical testing. Allele origin: germline.

GeneDx
Classification: Uncertain significance. Last evaluated: 2024-01-21. Review status: criteria provided, single submitter. Criteria: GeneDx Variant Classification Process June 2021. Collection method: clinical testing. Allele origin: germline. Affected: yes.
Comment: Has not been previously reported in peer-reviewed literature as pathogenic or benign to our knowledge. However, in an abstract by Donkervoort et al. (2012), it was identified in three generations of a family with reported mild to severe contractures unrelated to muscle involvement, but additional clinical information was not provided; Not observed at significant frequency in large population cohorts (gnomAD); In silico analysis supports a deleterious effect on splicing; This variant is associated with the following publications: (PMID: Bolduc2022[abstract], Donkervoort2012[abstract])

Labcorp Genetics (formerly Invitae), Labcorp
Classification: Uncertain significance for Bethlem myopathy 1A. Last evaluated: 2023-08-30. Review status: criteria provided, single submitter. Criteria: Invitae Variant Classification Sherloc (09022015). Collection method: clinical testing. Allele origin: germline.
Comment: This sequence change falls in intron 18 of the COL6A3 gene. It does not directly change the encoded amino acid sequence of the COL6A3 protein. In summary, the available evidence is currently insufficient to determine the role of this variant in disease. Therefore, it has been classified as a Variant of Uncertain Significance. Algorithms developed to predict the effect of sequence changes on RNA splicing suggest that this variant may create or strengthen a splice site. ClinVar contains an entry for this variant (Variation ID: 857655). This variant has not been reported in the literature in individuals affected with COL6A3-related conditions. This variant is not present in population databases (gnomAD no frequency).

NM_004369.4(COL6A3):c.6309+10C>G

Genes: COL6A3 (collagen type VI alpha 3 chain; minus strand), LOC122889011 (Sharpr-MPRA regulatory region 1020; plus strand). Cytogenetic location: 2q37.3.
Variant type: single nucleotide variant.
Coding change: c.6309+10C>G on transcript NM_004369.4 (MANE Select); 10 bases into the intron after coding-DNA position 6309, C replaced by G.
Molecular consequence: intron variant.
Genome position (GRCh38, 1-based): chr2:237,359,352, G>C on the plus strand (C>G on the coding strand, the complement: COL6A3 is on the minus strand). VCF-style: chr2-237359352-G-C. GRCh37 (hg19) VCF-style: chr2-238267995-G-C.
Other names: c.4488+10C>G (NM_057166.5); c.5691+10C>G (NM_057167.4).
Identifiers: ClinVar variation 857655 (VCV000857655.10), dbSNP rs2077385627, ClinGen allele CA916081404.